The following is an entry in ClinVar:

NM_014014.5(SNRNP200):c.1460A>G (p.Lys487Arg)

Gene: SNRNP200 (small nuclear ribonucleoprotein U5 subunit 200; minus strand). Cytogenetic location: 2q11.2.
Variant type: single nucleotide variant.
Coding change: c.1460A>G on transcript NM_014014.5 (MANE Select); coding-DNA position 1460, A replaced by G.
Protein change: p.Lys487Arg; replaces lysine 487 with arginine.
Molecular consequence: missense variant.
Genome position (GRCh38, 1-based): chr2:96,296,988, T>C on the plus strand (A>G on the coding strand, the complement: SNRNP200 is on the minus strand). VCF-style: chr2-96296988-T-C. GRCh37 (hg19) VCF-style: chr2-96962726-T-C.
Other names: short protein forms K487R.
Identifiers: ClinVar variation 2808474 (VCV002808474.3), dbSNP rs2467349202, ClinGen allele CA347682679.
Genomic context (GRCh38, chr2:96,296,988, plus strand): 5'-CTTACAGTAGGAGCACACAGCAGCAGATTCTCATCCGTCTCAAGGGCAGCACGGTAGAGC[T>C]TACTCTGGATCCGATTCAGTGTTTTGAAGCCCTCAAACCCAGCCTGGGCATACTTTGGCA-3'
Protein context (NP_054733.2, residues 477-497): GFKTLNRIQS[Lys487Arg]LYRAALETDE

ClinVar aggregate classification (germline): Uncertain significance (1 of 4 stars; one submission).

Allele frequency attached by ClinVar (database versions not stated): gnomAD exomes below 0.00001.
gnomAD v4.1: 4 of 1,614,216 alleles (0.00025%); highest among the groups gnomAD compares: Non-Finnish European, 0.00034%; no homozygotes.

Submission:

Labcorp Genetics (formerly Invitae), Labcorp
Classification: Uncertain significance. Last evaluated: 2023-11-02. Review status: criteria provided, single submitter. Criteria: Invitae Variant Classification Sherloc (09022015). Collection method: clinical testing. Allele origin: germline.
Comment: This sequence change replaces lysine, which is basic and polar, with arginine, which is basic and polar, at codon 487 of the SNRNP200 protein (p.Lys487Arg). This variant is not present in population databases (gnomAD no frequency). This variant has not been reported in the literature in individuals affected with SNRNP200-related conditions. Advanced modeling of protein sequence and biophysical properties (such as structural, functional, and spatial information, amino acid conservation, physicochemical variation, residue mobility, and thermodynamic stability) performed at Invitae indicates that this missense variant is not expected to disrupt SNRNP200 protein function with a negative predictive value of 80%. In summary, the available evidence is currently insufficient to determine the role of this variant in disease. Therefore, it has been classified as a Variant of Uncertain Significance.